The following is an entry in ClinVar:

ClinVar aggregate classification (germline): Uncertain significance (1 of 4 stars; one submission).

Conditions:
Familial hemiplegic migraine. Identifiers: MedGen C0338484, MONDO:0000700.

Submission:

Labcorp Genetics (formerly Invitae), Labcorp
Classification: Uncertain significance for Familial hemiplegic migraine. Last evaluated: 2021-02-03. Review status: criteria provided, single submitter. Criteria: Invitae Variant Classification Sherloc (09022015). Collection method: clinical testing. Allele origin: germline.
Comment: In summary, the available evidence is currently insufficient to determine the role of this variant in disease. Therefore, it has been classified as a Variant of Uncertain Significance. Advanced modeling of protein sequence and biophysical properties (such as structural, functional, and spatial information, amino acid conservation, physicochemical variation, residue mobility, and thermodynamic stability) performed at Invitae indicates that this missense variant is not expected to disrupt ATP1A2 protein function. This variant has been observed in individual(s) with clinical features of ATP1A2-related conditions (Invitae). ClinVar contains an entry for this variant (Variation ID: 576811). This variant is not present in population databases (ExAC no frequency). This sequence change replaces glycine with serine at codon 20 of the ATP1A2 protein (p.Gly20Ser). The glycine residue is highly conserved and there is a small physicochemical difference between glycine and serine.

NM_000702.4(ATP1A2):c.58G>A (p.Gly20Ser)

Gene: ATP1A2 (ATPase Na+/K+ transporting subunit alpha 2; plus strand). Cytogenetic location: 1q23.2.
Variant type: single nucleotide variant.
Coding change: c.58G>A on transcript NM_000702.4 (MANE Select); coding-DNA position 58, G replaced by A.
Protein change: p.Gly20Ser; replaces glycine 20 with serine.
Molecular consequence: missense variant.
Genome position (GRCh38, 1-based): chr1:160,120,951, G>A. VCF-style: chr1-160120951-G-A. GRCh37 (hg19) VCF-style: chr1-160090741-G-A.
Other names: short protein forms G20S.
Identifiers: ClinVar variation 576811 (VCV000576811.8), dbSNP rs1558002462, ClinGen allele CA343227251.